The following is an entry in ClinVar:

NM_001127671.2(LIFR):c.171_174del (p.Asn58fs)

Gene: LIFR (LIF receptor subunit alpha; minus strand). Cytogenetic location: 5p13.1.
Variant type: Microsatellite.
Coding change: c.171_174del on transcript NM_001127671.2 (MANE Select); coding-DNA positions 171 to 174, 4 bases deleted (TAAC; older notation c.171_174delTAAC).
Protein change: p.Asn58fs; shifts the reading frame from asparagine 58.
Molecular consequence: frameshift variant.
Genome position (GRCh38, 1-based): chr5:38,528,809-38,528,812, GTTA deleted on the plus strand (TAAC on the coding strand, the reverse complement: LIFR is on the minus strand); deleting any 4 consecutive bases within chr5:38,528,809-38,528,816 gives the same sequence; the c. name uses the placement nearest the transcript's 3' end. VCF-style (leftmost placement, unchanged base first): chr5-38528808-TGTTA-T. GRCh37 (hg19) VCF-style: chr5-38528910-TGTTA-T.
Other names: c.171_174del, p.Asn58fs (NM_001364297.2, NM_001364298.2, NM_002310.6); short protein forms N58fs.
Identifiers: ClinVar variation 14462 (VCV000014462.8), dbSNP rs1561179853, ClinGen allele CA913184729.

ClinVar aggregate classification (germline): Pathogenic/Likely pathogenic. Review status: criteria provided, multiple submitters, no conflicts (2 of 4 stars). 3 submissions from 3 submitters: Pathogenic (1); Likely pathogenic (1). 1 of the submissions does not count toward it. Last evaluated 2024-03-14.

Conditions:
Stuve-Wiedemann syndrome (STWS). Also called: Stüve-Wiedemann syndrome. Identifiers: Orphanet 3206, MedGen C0796176, MONDO:0031280.

Submissions (3):

Natera, Inc.
Classification: Likely pathogenic for Stuve-Wiedemann syndrome. Last evaluated: 2024-03-14. Review status: criteria provided, single submitter. Criteria: Natera Variant Classification Schema (03/2026). Collection method: clinical testing. Allele origin: germline.
Comment: The c.171_174delTAAC variant in LIFR is a frameshift variant predicted to shift the reading frame beginning at codon 58 and leads to a stop codon 52 codons downstream. This variant is expected to result in nonsense mediated decay, truncation, or a dysfunctional protein product. This variant is rare in the general population with a frequency below the threshold expected for the associated phenotype(s). Given the available evidence, this variant is classified as Likely Pathogenic.

Labcorp Genetics (formerly Invitae), Labcorp
Classification: Pathogenic. Last evaluated: 2024-01-26. Review status: criteria provided, single submitter. Criteria: Invitae Variant Classification Sherloc (09022015). Collection method: clinical testing. Allele origin: germline.
Comment: This sequence change creates a premature translational stop signal (p.Asn58Ilefs*52) in the LIFR gene. It is expected to result in an absent or disrupted protein product. Loss-of-function variants in LIFR are known to be pathogenic (PMID: 14740318). This variant is not present in population databases (gnomAD no frequency). This premature translational stop signal has been observed in individual(s) with Stüve-Wiedemann syndrome (PMID: 16969869, 18546280). It has also been observed to segregate with disease in related individuals. This variant is also known as 167-170delTAAC. ClinVar contains an entry for this variant (Variation ID: 14462). For these reasons, this variant has been classified as Pathogenic.

OMIM
Classification: Pathogenic for STUVE-WIEDEMANN SYNDROME 1. Last evaluated: 2008-07-01. Review status: no assertion criteria provided. Collection method: literature only. Allele origin: germline. Not counted in ClinVar's aggregate classification.

Literature cited by the submitters: PubMed 14740318 (cited by Labcorp Genetics (formerly Invitae), Labcorp); PubMed 16969869 (cited by Labcorp Genetics (formerly Invitae), Labcorp); PubMed 18546280 (cited by Labcorp Genetics (formerly Invitae), Labcorp and OMIM).